The following is an entry in ClinVar:

ClinVar aggregate classification (germline): Uncertain significance (1 of 4 stars; one submission).

gnomAD v4.1: 3 of 1,614,112 alleles (0.00019%); highest among the groups gnomAD compares: Non-Finnish European, 0.00017%; no homozygotes.

Submission:

Labcorp Genetics (formerly Invitae), Labcorp
Classification: Uncertain significance. Last evaluated: 2026-01-02. Review status: criteria provided, single submitter. Criteria: Invitae Variant Classification Sherloc (09022015). Collection method: clinical testing. Allele origin: germline.
Comment: This sequence change replaces serine, which is neutral and polar, with proline, which is neutral and non-polar, at codon 453 of the MCM4 protein (p.Ser453Pro). This variant is present in population databases (rs775118487, gnomAD 0.002%). This variant has not been reported in the literature in individuals affected with MCM4-related conditions. Invitae Evidence Modeling of protein sequence and biophysical properties (such as structural, functional, and spatial information, amino acid conservation, physicochemical variation, residue mobility, and thermodynamic stability) indicates that this missense variant is expected to disrupt MCM4 protein function with a positive predictive value of 80%. In summary, the available evidence is currently insufficient to determine the role of this variant in disease. Therefore, it has been classified as a Variant of Uncertain Significance.

NM_182746.3(MCM4):c.1357T>C (p.Ser453Pro)

Gene: MCM4 (minichromosome maintenance complex component 4; plus strand). Cytogenetic location: 8q11.21.
Variant type: single nucleotide variant.
Coding change: c.1357T>C on transcript NM_182746.3 (MANE Select); coding-DNA position 1357, T replaced by C.
Protein change: p.Ser453Pro; replaces serine 453 with proline.
Molecular consequence: missense variant.
Genome position (GRCh38, 1-based): chr8:47,969,980, T>C. VCF-style: chr8-47969980-T-C. GRCh37 (hg19) VCF-style: chr8-48882540-T-C.
Other names: c.1357T>C, p.Ser453Pro (NM_005914.4); short protein forms S453P.
Identifiers: ClinVar variation 4767343 (VCV004767343.1).